The following is an entry in ClinVar:

NM_000169.3(GLA):c.508G>C (p.Asp170His)

Genes: GLA (galactosidase alpha; minus strand), RPL36A-HNRNPH2 (RPL36A-HNRNPH2 readthrough; plus strand). Cytogenetic location: Xq22.1.
Variant type: single nucleotide variant.
Coding change: c.508G>C on transcript NM_000169.3 (MANE Select); coding-DNA position 508, G replaced by C.
Protein change: p.Asp170His; replaces aspartic acid 170 with histidine.
Molecular consequence: missense variant. On other transcripts: non-coding transcript variant (3), intron variant (2).
Genome position (GRCh38, 1-based): chrX:101,401,671, C>G on the plus strand (G>C on the coding strand, the complement: GLA is on the minus strand). VCF-style: chrX-101401671-C-G. GRCh37 (hg19) VCF-style: chrX-100656659-C-G.
Other names: c.631G>C, p.Asp211His (NM_001406747.1, NM_001406749.1); c.508G>C, p.Asp170His (NM_001406748.1); c.300+6214C>G (NM_001199973.2); c.177+9849C>G (NM_001199974.2); short protein forms D170H, D211H.
Identifiers: ClinVar variation 4087400 (VCV004087400.2).

ClinVar aggregate classification (germline): Pathogenic (1 of 4 stars; one submission).

Conditions:
Fabry disease. Also called: ALPHA-GALACTOSIDASE A DEFICIENCY; ANDERSON-FABRY DISEASE; CERAMIDE TRIHEXOSIDASE DEFICIENCY; GLA DEFICIENCY; HEREDITARY DYSTOPIC LIPIDOSIS; Angiokeratoma corporis diffusum. Identifiers: Orphanet 324, MedGen C0002986, MONDO:0010526, OMIM 301500, HP:0001071. Disease mechanism: Fabry disease is due to inactivating mutations in the X-linked GLA gene resulting in deficiency of the enzyme Alpha Galactosidase-A., loss of function.

Submission:

Genomenon, Inc
Classification: Pathogenic for Fabry disease. Last evaluated: 2026-09-08. Review status: criteria provided, single submitter. Criteria: Genomenon Sequence Variant Interpretation Standards - Updated. Collection method: curation. Allele origin: germline. Affected: yes.
Comment: GLA p.Asp170His (c.508G>C) is a missense variant that changes the amino acid at codon 170 from Aspartic acid to Histidine. This variant has been observed in at least one proband with clinical features consistent with Fabry disease (PMID:12938095). At least one functional study has demonstrated a substantial alteration in protein function relative to the wild-type (PMID:32023956;27657681). This variant is located in a mutational hotspot and/or important functional domain. It is absent or not present at a significant frequency in gnomAD. In silico models predict that this variant is possibly or probably damaging. In conclusion, we classify GLA p.Asp170His (c.508G>C) as a pathogenic variant.

Literature cited by the submitters: PubMed 12938095; PubMed 32023956; PubMed 27657681.